The following is an entry in ClinVar:

NM_006206.6(PDGFRA):c.1873G>A (p.Ala625Thr)

Gene: PDGFRA (platelet derived growth factor receptor alpha; plus strand). Cytogenetic location: 4q12.
Variant type: single nucleotide variant.
Coding change: c.1873G>A on transcript NM_006206.6 (MANE Select); coding-DNA position 1873, G replaced by A.
Protein change: p.Ala625Thr; replaces alanine 625 with threonine.
Molecular consequence: missense variant.
Genome position (GRCh38, 1-based): chr4:54,277,474, G>A. VCF-style: chr4-54277474-G-A. GRCh37 (hg19) VCF-style: chr4-55143641-G-A.
Other names: c.1873G>A, p.Ala625Thr (NM_001347827.2, NM_001347829.2); c.1948G>A, p.Ala650Thr (NM_001347828.2); c.1912G>A, p.Ala638Thr (NM_001347830.2); short protein forms A638T, A625T, A650T.
Identifiers: ClinVar variation 4665290 (VCV004665290.1).

ClinVar aggregate classification (germline): Uncertain significance (1 of 4 stars; one submission).

Conditions:
Hereditary cancer-predisposing syndrome. Also called: Neoplastic Syndromes, Hereditary; Tumor predisposition; Hereditary Cancer Syndrome; Hereditary neoplastic syndrome. Identifiers: Orphanet 140162, MedGen C0027672, MeSH D009386, MONDO:0015356.

Submission:

Ambry Genetics
Classification: Uncertain significance for Hereditary cancer-predisposing syndrome. Last evaluated: 2025-10-30. Review status: criteria provided, single submitter. Criteria: Ambry Variant Classification Scheme 2023. Collection method: clinical testing. Allele origin: germline.
Comment: The p.A625T variant (also known as c.1873G>A), located in coding exon 12 of the PDGFRA gene, results from a G to A substitution at nucleotide position 1873. The alanine at codon 625 is replaced by threonine, an amino acid with similar properties. This amino acid position is conserved. In addition, this alteration is predicted to be deleterious by in silico analysis. Based on the available evidence, the clinical significance of this variant remains unclear.